The following is an entry in ClinVar:

NM_000017.4(ACADS):c.934-5T>A

Gene: ACADS (acyl-CoA dehydrogenase short chain; plus strand). Cytogenetic location: 12q24.31.
Variant type: single nucleotide variant.
Coding change: c.934-5T>A on transcript NM_000017.4 (MANE Select); 5 bases into the intron before coding-DNA position 934, T replaced by A.
Molecular consequence: intron variant.
Genome position (GRCh38, 1-based): chr12:120,738,815, T>A. VCF-style: chr12-120738815-T-A. GRCh37 (hg19) VCF-style: chr12-121176618-T-A.
Other names: c.922-5T>A (NM_001302554.2).
Identifiers: ClinVar variation 973488 (VCV000973488.5), dbSNP rs749885391, ClinGen allele CA6831144.

ClinVar aggregate classification (germline): Uncertain significance. Review status: criteria provided, single submitter (1 of 4 stars). 2 submissions from 2 submitters: Uncertain significance (1). 1 of the submissions does not count toward it. Last evaluated 2024-01-01.

Conditions:
Deficiency of butyryl-CoA dehydrogenase (ACADSD). Also called: ACYL-CoA DEHYDROGENASE, SHORT-CHAIN, DEFICIENCY OF; ACADS DEFICIENCY; SCAD Deficiency; SCAD DEFICIENCY, MILD; Short-Chain Acyl-CoA Dehydrogenase Deficiency; SCADH DEFICIENCY. Identifiers: Orphanet 26792, MedGen C0342783, MONDO:0008722, OMIM 201470. Disease mechanism: May be benign.

Allele frequency attached by ClinVar (database versions not stated): gnomAD exomes 0.00001 and 0.00002; ExAC 0.00002.
gnomAD v4.1: 8 of 1,613,994 alleles (0.0005%); highest among the groups gnomAD compares: South Asian, 0.0077%; no homozygotes.

Submissions (2):

Daryl Scott Lab, Baylor College of Medicine
Classification: Uncertain significance for Deficiency of butyryl-CoA dehydrogenase. Last evaluated: 2024-01-01. Review status: criteria provided, single submitter. Criteria: ACMG Guidelines, 2015. Collection method: clinical testing. Allele origin: biparental. Observed: 1 homozygote.
Comment: PM2, PP3

Elsea Laboratory, Baylor College of Medicine
Classification: Likely pathogenic for Deficiency of butyryl-CoA dehydrogenase. Last evaluated: 2020-04-01. Review status: no assertion criteria provided. Collection method: clinical testing. Allele origin: maternal, paternal. Affected: yes. Not counted in ClinVar's aggregate classification.